The following is an entry in ClinVar:

NM_001127222.2(CACNA1A):c.6235G>A (p.Glu2079Lys)

Gene: CACNA1A (calcium voltage-gated channel subunit alpha1 A; minus strand). Cytogenetic location: 19p13.13.
Variant type: single nucleotide variant.
Coding change: c.6235G>A on transcript NM_001127222.2 (MANE Select); coding-DNA position 6235, G replaced by A.
Protein change: p.Glu2079Lys; replaces glutamic acid 2079 with lysine.
Molecular consequence: missense variant.
Genome position (GRCh38, 1-based): chr19:13,212,171, C>T on the plus strand (G>A on the coding strand, the complement: CACNA1A is on the minus strand). VCF-style: chr19-13212171-C-T. GRCh37 (hg19) VCF-style: chr19-13322985-C-T.
Other names: c.6253G>A, p.Glu2085Lys (NM_000068.4, NM_023035.3); c.6238G>A, p.Glu2080Lys (NM_001127221.2); c.6244G>A, p.Glu2082Lys (NM_001174080.2); short protein forms E2080K, E2079K, E2082K, E2085K.
Identifiers: ClinVar variation 422383 (VCV000422383.15), dbSNP rs752513542, ClinGen allele CA9239421.

ClinVar aggregate classification (germline): Conflicting classifications of pathogenicity. Review status: criteria provided, conflicting classifications (1 of 4 stars). 3 submissions from 3 submitters: Uncertain significance (2); Likely benign (1). Last evaluated 2026-01-07.

Conditions:
Episodic ataxia type 2 (EA2). Also called: ATAXIA, EPISODIC, WITH NYSTAGMUS; ATAXIA, FAMILIAL PAROXYSMAL; CEREBELLAR ATAXIA, PAROXYSMAL, ACETAZOLAMIDE-RESPONSIVE; CEREBELLOPATHY, HEREDITARY PAROXYSMAL; EPISODIC ATAXIA, NYSTAGMUS-ASSOCIATED; ACETAZOLAMIDE-RESPONSIVE HEREDITARY PAROXYSMAL CEREBELLAR ATAXIA. Identifiers: Orphanet 97, MedGen C1720416, MONDO:0007163, OMIM 108500.
Developmental and epileptic encephalopathy, 42 (DEE42A). Also called: Epileptic encephalopathy, early infantile, 42; DEVELOPMENTAL AND EPILEPTIC ENCEPHALOPATHY 42A; EPILEPTIC ENCEPHALOPATHY, EARLY INFANTILE, 42A. Identifiers: MedGen C4310716, MONDO:0014917, OMIM 617106.

Allele frequency attached by ClinVar (database versions not stated): gnomAD exomes 0.00002; TOPMed 0.00002; gnomAD 0.00003 and 0.00004; ExAC 0.00001.
gnomAD v4.1: 36 of 1,613,760 alleles (0.0022%); highest among the groups gnomAD compares: South Asian, 0.0033%; no homozygotes.

Submissions (3):

GeneDx
Classification: Uncertain significance. Last evaluated: 2026-01-07. Review status: criteria provided, single submitter. Criteria: GeneDx Variant Classification Process June 2021. Collection method: clinical testing. Allele origin: germline. Affected: yes.
Comment: Reported previously in a patient in the published literature with sporadic hemiplegic migraines who inherited the variant from an unaffected parent (PMID: 18513263); In silico analysis supports that this missense variant has a deleterious effect on protein structure/function; This variant is associated with the following publications: (PMID: 18513263)

Labcorp Genetics (formerly Invitae), Labcorp
Classification: Likely benign for Developmental and epileptic encephalopathy, 42; Episodic ataxia type 2. Last evaluated: 2025-04-27. Review status: criteria provided, single submitter. Criteria: Invitae Variant Classification Sherloc (09022015). Collection method: clinical testing. Allele origin: germline.

CeGaT Center for Human Genetics Tuebingen
Classification: Uncertain significance. Last evaluated: 2018-09-30. Review status: criteria provided, single submitter. Criteria: Praxis fuer Humangenetik Tuebingen - Variant Classification Criteria. Collection method: clinical testing. Allele origin: germline. Affected: yes. Observed: 1 variant allele.